The following is an entry in ClinVar:

ClinVar aggregate classification (germline): Uncertain significance (1 of 4 stars; one submission).

Submission:

Mayo Clinic Laboratories, Mayo Clinic
Classification: Uncertain significance. Last evaluated: 2025-02-26. Review status: criteria provided, single submitter. Criteria: ACMG Guidelines, 2015. Collection method: clinical testing. Allele origin: germline. Observed: 1 variant allele.
Comment: PM2_supporting

NM_006785.4(MALT1):c.1615T>C (p.Cys539Arg)

Gene: MALT1 (MALT1 paracaspase; plus strand). Cytogenetic location: 18q21.32.
Variant type: single nucleotide variant.
Coding change: c.1615T>C on transcript NM_006785.4 (MANE Select); coding-DNA position 1615, T replaced by C.
Protein change: p.Cys539Arg; replaces cysteine 539 with arginine.
Molecular consequence: missense variant.
Genome position (GRCh38, 1-based): chr18:58,741,876, T>C. VCF-style: chr18-58741876-T-C. GRCh37 (hg19) VCF-style: chr18-56409108-T-C.
Other names: p.Cys539Arg; c.1582T>C, p.Cys528Arg (NM_173844.3); short protein forms C528R, C539R.
Identifiers: ClinVar variation 4542267 (VCV004542267.1).